The following is an entry in ClinVar:

ClinVar aggregate classification (germline): Uncertain significance (1 of 4 stars; one submission).

Allele frequency attached by ClinVar (database versions not stated): gnomAD 0.00001; gnomAD exomes 0.00001 and 0.00003; ExAC 0.00004; 1000 Genomes Project 30x 0.00016; 1000 Genomes Project 0.00020.
gnomAD v4.1: 25 of 1,612,466 alleles (0.0016%); highest among the groups gnomAD compares: Middle Eastern, 0.05%; no homozygotes.

Submission:

Labcorp Genetics (formerly Invitae), Labcorp
Classification: Uncertain significance. Last evaluated: 2023-03-02. Review status: criteria provided, single submitter. Criteria: Invitae Variant Classification Sherloc (09022015). Collection method: clinical testing. Allele origin: germline.
Comment: ClinVar contains an entry for this variant (Variation ID: 1508842). In summary, the available evidence is currently insufficient to determine the role of this variant in disease. Therefore, it has been classified as a Variant of Uncertain Significance. An algorithm developed to predict the effect of missense changes on protein structure and function (PolyPhen-2) suggests that this variant is likely to be disruptive. This variant has not been reported in the literature in individuals affected with CDH2-related conditions. This variant is present in population databases (rs202205175, gnomAD 0.007%). This sequence change replaces asparagine, which is neutral and polar, with histidine, which is basic and polar, at codon 64 of the CDH2 protein (p.Asn64His).

NM_001792.5(CDH2):c.190A>C (p.Asn64His)

Gene: CDH2 (cadherin 2; minus strand). Cytogenetic location: 18q12.1.
Variant type: single nucleotide variant.
Coding change: c.190A>C on transcript NM_001792.5 (MANE Select); coding-DNA position 190, A replaced by C.
Protein change: p.Asn64His; replaces asparagine 64 with histidine.
Molecular consequence: missense variant.
Genome position (GRCh38, 1-based): chr18:28,013,892, T>G on the plus strand (A>C on the coding strand, the complement: CDH2 is on the minus strand). VCF-style: chr18-28013892-T-G. GRCh37 (hg19) VCF-style: chr18-25593856-T-G.
Other names: c.97A>C, p.Asn33His (NM_001308176.2); short protein forms N33H, N64H.
Identifiers: ClinVar variation 1508842 (VCV001508842.6), dbSNP rs202205175, ClinGen allele CA8923755.